The following is an entry in ClinVar:

ClinVar aggregate classification (germline): Uncertain significance (1 of 4 stars; one submission).

Conditions:
NHERF1-related disorder. Also called: NHERF1-related condition.

Submission:

PreventionGenetics, part of Exact Sciences
Classification: Uncertain significance for NHERF1-related condition. Last evaluated: 2023-01-10. Review status: criteria provided, single submitter. Criteria: ACMG Guidelines, 2015. Collection method: clinical testing. Allele origin: germline.
Comment: The NHERF1 c.26C>A variant is predicted to result in the amino acid substitution p.Ala9Glu. To our knowledge, this variant has not been reported in the literature or in a large population database, indicating this variant is rare. At this time, the clinical significance of this variant is uncertain due to the absence of conclusive functional and genetic evidence.

NM_004252.5(NHERF1):c.26C>A (p.Ala9Glu)

Genes: NHERF1 (NHERF family PDZ scaffold protein 1; plus strand), SLC9A3R1-AS1 (SLC9A3R1 antisense RNA 1; minus strand). Cytogenetic location: 17q25.1.
Variant type: single nucleotide variant.
Coding change: c.26C>A on transcript NM_004252.5 (MANE Select); coding-DNA position 26, C replaced by A.
Protein change: p.Ala9Glu; replaces alanine 9 with glutamic acid.
Molecular consequence: missense variant. On other transcripts: non-coding transcript variant (1).
Genome position (GRCh38, 1-based): chr17:74,748,872, C>A. VCF-style: chr17-74748872-C-A. GRCh37 (hg19) VCF-style: chr17-72745011-C-A.
Other names: short protein forms A9E.
Identifiers: ClinVar variation 2629960 (VCV002629960.1), dbSNP rs775644483, ClinGen allele CA400935810.